The following is an entry in ClinVar:

NM_004446.3(EPRS1):c.561T>A (p.Phe187Leu)

Gene: EPRS1 (glutamyl-prolyl-tRNA synthetase 1; minus strand). Cytogenetic location: 1q41.
Variant type: single nucleotide variant.
Coding change: c.561T>A on transcript NM_004446.3 (MANE Select); coding-DNA position 561, T replaced by A.
Protein change: p.Phe187Leu; replaces phenylalanine 187 with leucine.
Molecular consequence: missense variant.
Genome position (GRCh38, 1-based): chr1:220,030,448, A>T on the plus strand (T>A on the coding strand, the complement: EPRS1 is on the minus strand). VCF-style: chr1-220030448-A-T. GRCh37 (hg19) VCF-style: chr1-220203790-A-T.
Other names: c.561T>A (NM_004446.2); short protein forms F187L.
Identifiers: ClinVar variation 1681006 (VCV001681006.8), dbSNP rs1224789970, ClinGen allele CA344636715.

ClinVar aggregate classification (germline): Uncertain significance. Review status: criteria provided, multiple submitters, no conflicts (2 of 4 stars). 2 submissions from 2 submitters: Uncertain significance (2). Last evaluated 2025-01-06.

Conditions:
Inborn genetic diseases. Identifiers: MedGen C0950123, MeSH D030342.

Allele frequency attached by ClinVar (database versions not stated): TOPMed 0.00001.
gnomAD v4.1: 3 of 1,614,150 alleles (0.00019%); highest among the groups gnomAD compares: Admixed American, 0.0017%; no homozygotes.

Submissions (2):

Labcorp Genetics (formerly Invitae), Labcorp
Classification: Uncertain significance. Last evaluated: 2025-01-06. Review status: criteria provided, single submitter. Criteria: Invitae Variant Classification Sherloc (09022015). Collection method: clinical testing. Allele origin: germline.
Comment: This sequence change replaces phenylalanine, which is neutral and non-polar, with leucine, which is neutral and non-polar, at codon 187 of the EPRS protein (p.Phe187Leu). This variant is present in population databases (no rsID available, gnomAD 0.003%). This variant has not been reported in the literature in individuals affected with EPRS-related conditions. ClinVar contains an entry for this variant (Variation ID: 1681006). An algorithm developed to predict the effect of missense changes on protein structure and function (PolyPhen-2) suggests that this variant is likely to be disruptive. In summary, the available evidence is currently insufficient to determine the role of this variant in disease. Therefore, it has been classified as a Variant of Uncertain Significance.

Ambry Genetics
Classification: Uncertain significance for Inborn genetic diseases. Last evaluated: 2023-06-02. Review status: criteria provided, single submitter. Criteria: Ambry Variant Classification Scheme 2023. Collection method: clinical testing. Allele origin: germline.